The following is an entry in ClinVar:

NM_001042681.2(RERE):c.911C>G (p.Ser304Cys)

Gene: RERE (arginine-glutamic acid dipeptide repeats; minus strand). Cytogenetic location: 1p36.23.
Variant type: single nucleotide variant.
Coding change: c.911C>G on transcript NM_001042681.2 (MANE Select); coding-DNA position 911, C replaced by G.
Protein change: p.Ser304Cys; replaces serine 304 with cysteine.
Molecular consequence: missense variant.
Genome position (GRCh38, 1-based): chr1:8,497,498, G>C on the plus strand (C>G on the coding strand, the complement: RERE is on the minus strand). VCF-style: chr1-8497498-G-C. GRCh37 (hg19) VCF-style: chr1-8557558-G-C.
Other names: c.911C>G, p.Ser304Cys (NM_012102.4); short protein forms S304C.
Identifiers: ClinVar variation 1303096 (VCV001303096.2), dbSNP rs2124243426, ClinGen allele CA338224075.
Genomic context (GRCh38, chr1:8,497,498, plus strand): 5'-TCGTTAACTCCAGGCATCCAGACCAGTTCCTCATGTTGGGTCACTGTATCACCATCTGGA[G>C]AAGGAAATGGTTGCAGATCTGGAAGTTTGGCCTGTAAGACAGGGATGAGTAAGTCACAAT-3'
Protein context (NP_001036146.1, residues 294-314): AKLPDLQPFP[Ser304Cys]PDGDTVTQHE

ClinVar aggregate classification (germline): Uncertain significance (1 of 4 stars; one submission).

Submission:

GeneDx
Classification: Uncertain significance. Last evaluated: 2019-12-16. Review status: criteria provided, single submitter. Criteria: GeneDx Variant Classification Process June 2021. Collection method: clinical testing. Allele origin: germline. Affected: yes.
Comment: Not observed in large population cohorts (Lek et al., 2016); In silico analysis, which includes protein predictors and evolutionary conservation, supports a deleterious effect; Has not been previously published as pathogenic or benign to our knowledge